The following is an entry in ClinVar:

ClinVar aggregate classification (germline): Pathogenic. Review status: criteria provided, multiple submitters, no conflicts (2 of 4 stars). 5 submissions from 5 submitters: Pathogenic (4). 1 of the submissions does not count toward it. Last evaluated 2026-07-01.

Conditions:
Paragangliomas with sensorineural hearing loss. Identifiers: MedGen C1868633.
Carney-Stratakis syndrome. Also called: PARAGANGLIOMA AND GASTROINTESTINAL STROMAL TUMOR. Identifiers: Orphanet 97286, MedGen C1847319, MONDO:0011740, OMIM 606864.
Cowden syndrome 3 (CWS3). Identifiers: Orphanet 201, MedGen CN166604, MONDO:0014045.
Pheochromocytoma. Also called: MAX-Related Hereditary Paraganglioma-Pheochromocytoma Syndrome. Identifiers: Orphanet 29072, MedGen C0031511, MONDO:0008233, OMIM 171300, HP:0002666.
Hereditary cancer-predisposing syndrome. Also called: Hereditary neoplastic syndrome; Hereditary Cancer Syndrome; Neoplastic Syndromes, Hereditary; Tumor predisposition. Identifiers: Orphanet 140162, MedGen C0027672, MeSH D009386, MONDO:0015356.
Pheochromocytoma/paraganglioma syndrome 1. Also called: SDHD-Related Hereditary Paraganglioma-Pheochromocytoma Syndrome; PARAGANGLIOMAS, FAMILIAL NONCHROMAFFIN, 1; PGL 1; Paragangliomas familial 1; PARAGANGLIOMATA; Glomus tumors familial 1. Identifiers: Orphanet 29072, MedGen C3494181, MONDO:0008192, OMIM 168000.

Submissions (5):

CeGaT Center for Human Genetics Tuebingen
Classification: Pathogenic. Last evaluated: 2026-07-01. Review status: criteria provided, single submitter. Criteria: CeGaT Center For Human Genetics Tuebingen Variant Classification Criteria Version 2. Collection method: clinical testing. Allele origin: germline. Affected: yes. Observed: 1 variant allele.
Comment: SDHD: PVS1, PM2, PS4:Moderate

Labcorp Genetics (formerly Invitae), Labcorp
Classification: Pathogenic for Carney-Stratakis syndrome; Paragangliomas with sensorineural hearing loss; Pheochromocytoma; Cowden syndrome 3. Last evaluated: 2026-01-01. Review status: criteria provided, single submitter. Criteria: Invitae Variant Classification Sherloc (09022015). Collection method: clinical testing. Allele origin: germline.
Comment: This sequence change creates a premature translational stop signal (p.Gln36*) in the SDHD gene. It is expected to result in an absent or disrupted protein product. Loss-of-function variants in SDHD are known to be pathogenic (PMID: 19454582, 19802898). This variant is not present in population databases (gnomAD no frequency). This premature translational stop signal has been observed in individual(s) with paraganglioma-pheochromocytoma syndromes (PMID: 10657297, 20208144). ClinVar contains an entry for this variant (Variation ID: 6892). Algorithms developed to predict the effect of sequence changes on RNA splicing suggest that this variant may disrupt the consensus splice site. For these reasons, this variant has been classified as Pathogenic.

Myriad Genetics, Inc.
Classification: Pathogenic for Pheochromocytoma/paraganglioma syndrome 1. Last evaluated: 2024-02-09. Review status: criteria provided, single submitter. Criteria: Myriad Autosomal Dominant, Autosomal Recessive and X-Linked Classification Criteria (2023). Collection method: clinical testing. Allele origin: unknown.
Comment: This variant is considered pathogenic. This variant creates a termination codon and is predicted to result in premature protein truncation.

Ambry Genetics
Classification: Pathogenic for Hereditary cancer-predisposing syndrome. Last evaluated: 2019-10-19. Review status: criteria provided, single submitter. Criteria: Ambry Variant Classification Scheme 2023. Collection method: clinical testing. Allele origin: germline.
Comment: The p.Q36* pathogenic mutation (also known as c.106C>T), located in coding exon 2 of the SDHD gene, results from a C to T substitution at nucleotide position 106. This changes the amino acid from a glutamine to a stop codon within coding exon 2. This mutation has been reported in multiple individuals diagnosed with pheochromocytoma(s) and/or extra-adrenal paraganglioma(s) (Baysal BE et al. Science, 2000 Feb;287:848-51; Astrom K et al. Hum. Genet., 2003 Aug;113:228-37; Neumann HP et al. Cancer Res., 2009 Apr;69:3650-6; Hermsen MA et al. Cell. Oncol., 2010 Jan;32:275-83). In addition to the clinical data presented in the literature, this alteration is expected to result in loss of function by premature protein truncation or nonsense-mediated mRNA decay. As such, this alteration is interpreted as a disease-causing mutation.

OMIM
Classification: Pathogenic for PHEOCHROMOCYTOMA/PARAGANGLIOMA SYNDROME 1. Last evaluated: 2000-02-04. Review status: no assertion criteria provided. Collection method: literature only. Allele origin: germline. Not counted in ClinVar's aggregate classification.

Literature cited by the submitters: PubMed 19454582 (cited by Labcorp Genetics (formerly Invitae), Labcorp); PubMed 19802898 (cited by Labcorp Genetics (formerly Invitae), Labcorp); PubMed 10657297 (cited by 3 submitters); PubMed 20208144 (cited by Labcorp Genetics (formerly Invitae), Labcorp and Ambry Genetics); PubMed 12811540 (cited by Ambry Genetics); PubMed 19351833 (cited by Ambry Genetics).

NM_003002.4(SDHD):c.106C>T (p.Gln36Ter)

Gene: SDHD (succinate dehydrogenase complex subunit D; plus strand). Cytogenetic location: 11q23.1.
Variant type: single nucleotide variant.
Coding change: c.106C>T on transcript NM_003002.4 (MANE Select); coding-DNA position 106, C replaced by T.
Protein change: p.Gln36Ter; replaces glutamine 36 with a stop codon.
Molecular consequence: nonsense. On other transcripts: non-coding transcript variant (1), intron variant (1).
Genome position (GRCh38, 1-based): chr11:112,087,910, C>T. VCF-style: chr11-112087910-C-T. GRCh37 (hg19) VCF-style: chr11-111958634-C-T.
Other names: c.106C>T, p.Gln36Ter (NM_001276503.2, NM_001276506.2); c.52+951C>T (NM_001276504.2); short protein forms Q36*.
Identifiers: ClinVar variation 6892 (VCV000006892.17), dbSNP rs104894303, ClinGen allele CA016759.
Genomic context (GRCh38, chr11:112,087,910, plus strand): 5'-TCCTCAGCTCTGTTGCTTCGAACTCCAGTGGTCAGACCTGCTCATATCTCAGCATTTCTT[C>T]AGGACCGACCTATCCCAGAATGGTGTGGAGTGCAGCACATACACTTGTCACCGAGCCACC-3'